The following is an entry in ClinVar:

NM_001999.4(FBN2):c.8351C>T (p.Pro2784Leu)

Gene: FBN2 (fibrillin 2; minus strand). Cytogenetic location: 5q23.3.
Variant type: single nucleotide variant.
Coding change: c.8351C>T on transcript NM_001999.4 (MANE Select); coding-DNA position 8351, C replaced by T.
Protein change: p.Pro2784Leu; replaces proline 2784 with leucine.
Molecular consequence: missense variant.
Genome position (GRCh38, 1-based): chr5:128,261,749, G>A on the plus strand (C>T on the coding strand, the complement: FBN2 is on the minus strand). VCF-style: chr5-128261749-G-A. GRCh37 (hg19) VCF-style: chr5-127597441-G-A.
Other names: p.Pro2784Leu; short protein forms P2784L.
Identifiers: ClinVar variation 258529 (VCV000258529.36), dbSNP rs144574441, ClinGen allele CA3393847.
Genomic context (GRCh38, chr5:128,261,749, plus strand): 5'-TCCGTAGGGATAAAATTTTGTGGCAACACAGAGTGGGATATACTCACAGCAGTGGGATCA[G>A]GTTCATGAATACTTCTCTTCTGCCTGCTGTCTTTCTTAGAATAGCCGTTGATTTTGCACT-3'
Protein context (NP_001990.2, residues 2774-2794): DSRQKRSIHE[Pro2784Leu]DPTAVEQISL

ClinVar aggregate classification (germline): Benign. Review status: criteria provided, multiple submitters, no conflicts (2 of 4 stars). 12 submissions from 11 submitters: Benign (10). 2 of the submissions do not count toward it. Last evaluated 2026-01-23.

Conditions:
Connective tissue disorder. Also called: Connective tissue disease. Identifiers: MedGen C0009782, MONDO:0003900.
Ehlers-Danlos syndrome (EDS). Identifiers: Orphanet 98249, MedGen C0013720, MONDO:0020066.
Familial thoracic aortic aneurysm and aortic dissection (TAAD). Also called: Thoracic aortic aneurysms and dissections. Identifiers: Orphanet 91387, MedGen C4707243, MONDO:0019625.
Congenital contractural arachnodactyly (CCA). Also called: BEALS SYNDROME; Arthrogryposis, distal, type 9; Beals-Hecht syndrome. Identifiers: Orphanet 115, MedGen C0220668, MONDO:0007363, OMIM 121050.

Allele frequency attached by ClinVar (database versions not stated): gnomAD 0.00007 and 0.00149; ESP Exome Variant Server 0.00015; TOPMed 0.00035; gnomAD exomes 0.00266; ExAC 0.00625; 1000 Genomes Project 0.00998; 1000 Genomes Project 30x 0.01031.
gnomAD v4.1: 4,141 of 1,614,160 alleles (0.26%); highest among the groups gnomAD compares: South Asian, 4.2%; 111 homozygotes.

Submissions (12):

Labcorp Genetics (formerly Invitae), Labcorp
Classification: Benign for Congenital contractural arachnodactyly. Last evaluated: 2026-01-23. Review status: criteria provided, single submitter. Criteria: Invitae Variant Classification Sherloc (09022015). Collection method: clinical testing. Allele origin: germline.

Mayo Clinic Laboratories, Mayo Clinic
Classification: Benign. Last evaluated: 2025-07-15. Review status: criteria provided, single submitter. Criteria: ACMG Guidelines, 2015. Collection method: clinical testing. Allele origin: germline. Observed: 2 variant alleles.
Comment: BS1, BS2

ARUP Laboratories, Molecular Genetics and Genomics, ARUP Laboratories
Classification: Benign. Last evaluated: 2025-03-13. Review status: criteria provided, single submitter. Criteria: ARUP Molecular Germline Variant Investigation Process 2024. Collection method: clinical testing. Allele origin: germline.

Genome Diagnostics Laboratory, The Hospital for Sick Children
Classification: Benign for Connective tissue disorder. Last evaluated: 2022-05-13. Review status: criteria provided, single submitter. Criteria: ACMG Guidelines, 2015. Collection method: clinical testing. Allele origin: germline.

Genome Diagnostics Laboratory, The Hospital for Sick Children
Classification: Benign for Ehlers-Danlos syndrome. Last evaluated: 2021-12-24. Review status: criteria provided, single submitter. Criteria: ACMG Guidelines, 2015. Collection method: clinical testing. Allele origin: germline.

Illumina Laboratory Services, Illumina
Classification: Benign for Congenital contractural arachnodactyly. Last evaluated: 2018-01-13. Review status: criteria provided, single submitter. Criteria: ICSL Variant Classification Criteria 13 December 2019. Collection method: clinical testing. Allele origin: germline.
Comment: This variant was observed in the ICSL laboratory as part of a predisposition screen in an ostensibly healthy population. It had not been previously curated by ICSL or reported in the Human Gene Mutation Database (HGMD: prior to June 1st, 2018), and was therefore a candidate for classification through an automated scoring system. Utilizing variant allele frequency, disease prevalence and penetrance estimates, and inheritance mode, an automated score was calculated to assess if this variant is too frequent to cause the disease. Based on the score and internal cut-off values, a variant classified as benign is not then subjected to further curation. The score for this variant resulted in a classification of benign for this disease.

Women's Health and Genetics/Laboratory Corporation of America, LabCorp
Classification: Benign. Last evaluated: 2017-03-29. Review status: criteria provided, single submitter. Criteria: LabCorp Variant Classification Summary - May 2015. Collection method: clinical testing. Allele origin: germline.
Comment: Variant summary: The FBN2 c.8351C>T (p.Pro2784Leu) variant involves the alteration of a non-conserved nucleotide, resulting in a missense substitution. The variant does not lie within a known functional domain (InterPro) and 4/5 in silico tools predict a benign outcome for this variant. This variant was found in the large control database ExAC in 759 of 121388 control chromosomes (26 homozygotes), predominantly observed in the South Asian subpopulation at a frequency of 0.04524 (747/16512). This frequency is about 36192 times the estimated maximal expected allele frequency of a pathogenic FBN2 variant (0.0000013), suggesting this is likely a benign polymorphism found primarily in the populations of South Asian origin. In addition, multiple clinical diagnostic laboratories/reputable databases classified this variant as benign. To our knowledge, the variant of interest has not been reported in affected individuals via publications, nor has it been evaluated for functional impact by in vivo/vitro studies. Taken together, this variant is classified as benign.

Ambry Genetics
Classification: Benign for Familial thoracic aortic aneurysm and aortic dissection. Last evaluated: 2015-08-30. Review status: criteria provided, single submitter. Criteria: Ambry Variant Classification Scheme 2023. Collection method: clinical testing. Allele origin: germline.

GeneDx
Classification: Benign. Last evaluated: 2015-07-30. Review status: criteria provided, single submitter. Criteria: GeneDx Variant Classification (06012015). Collection method: clinical testing. Allele origin: germline. Affected: yes.
Comment: This variant is considered likely benign or benign based on one or more of the following criteria: it is a conservative change, it occurs at a poorly conserved position in the protein, it is predicted to be benign by multiple in silico algorithms, and/or has population frequency not consistent with disease.

PreventionGenetics, part of Exact Sciences
Classification: Benign. Review status: criteria provided, single submitter. Criteria: ACMG Guidelines, 2015. Collection method: clinical testing. Allele origin: germline.

Clinical Genetics DNA and cytogenetics Diagnostics Lab, Erasmus MC, Erasmus Medical Center
Classification: Benign. Review status: no assertion criteria provided. Collection method: clinical testing. Allele origin: germline. Affected: yes. Study: VKGL Data-share Consensus. Not counted in ClinVar's aggregate classification.

Laboratory of Diagnostic Genome Analysis, Leiden University Medical Center (LUMC)
Classification: Likely benign. Review status: no assertion criteria provided. Collection method: clinical testing. Allele origin: germline. Affected: yes. Study: VKGL Data-share Consensus. Not counted in ClinVar's aggregate classification.